The following is an entry in ClinVar:

ClinVar aggregate classification (germline): Uncertain significance (1 of 4 stars; one submission).

Conditions:
LAMB2-related infantile-onset nephrotic syndrome. Also called: NEPHROTIC SYNDROME, TYPE 5, WITHOUT OCULAR ABNORMALITIES; NEPHROTIC SYNDROME, TYPE 5, WITH OCULAR ABNORMALITIES; Nephrotic Syndrome, type 5. Identifiers: Orphanet 306507, MedGen C3280113, MONDO:0013621, OMIM 614199.
Pierson syndrome. Also called: MICROCORIA-CONGENITAL NEPHROTIC SYNDROME. Identifiers: Orphanet 2670, MedGen C1836876, MONDO:0012184, OMIM 609049.

Allele frequency attached by ClinVar (database versions not stated): gnomAD 0.00005 and 0.00006; gnomAD exomes 0.00006 and 0.00028; ESP Exome Variant Server 0.00008; TOPMed 0.00019; ExAC 0.00025.
gnomAD v4.1: 98 of 1,613,664 alleles (0.0061%); highest among the groups gnomAD compares: Admixed American, 0.12%; 1 homozygote.

Submission:

Labcorp Genetics (formerly Invitae), Labcorp
Classification: Uncertain significance for LAMB2-related infantile-onset nephrotic syndrome; Pierson syndrome. Last evaluated: 2024-01-15. Review status: criteria provided, single submitter. Criteria: Invitae Variant Classification Sherloc (09022015). Collection method: clinical testing. Allele origin: germline.
Comment: This sequence change replaces arginine, which is basic and polar, with cysteine, which is neutral and slightly polar, at codon 1078 of the LAMB2 protein (p.Arg1078Cys). This variant is present in population databases (rs143284092, gnomAD 0.2%), including at least one homozygous and/or hemizygous individual. This missense change has been observed in individual(s) with steroid-resistant nephrotic syndrome (PMID: 33749661). ClinVar contains an entry for this variant (Variation ID: 345989). An algorithm developed to predict the effect of missense changes on protein structure and function (PolyPhen-2) suggests that this variant is likely to be disruptive. Experimental studies have shown that this missense change affects LAMB2 function (PMID: 33749661). In summary, the available evidence is currently insufficient to determine the role of this variant in disease. Therefore, it has been classified as a Variant of Uncertain Significance.

Literature cited by the submitters: PubMed 33749661.

NM_002292.4(LAMB2):c.3232C>T (p.Arg1078Cys)

Gene: LAMB2 (laminin subunit beta 2; minus strand). Cytogenetic location: 3p21.31.
Variant type: single nucleotide variant.
Coding change: c.3232C>T on transcript NM_002292.4 (MANE Select); coding-DNA position 3232, C replaced by T.
Protein change: p.Arg1078Cys; replaces arginine 1078 with cysteine.
Molecular consequence: missense variant.
Genome position (GRCh38, 1-based): chr3:49,124,490, G>A on the plus strand (C>T on the coding strand, the complement: LAMB2 is on the minus strand). VCF-style: chr3-49124490-G-A. GRCh37 (hg19) VCF-style: chr3-49161923-G-A.
Other names: short protein forms R1078C.
Identifiers: ClinVar variation 345989 (VCV000345989.7), dbSNP rs143284092, ClinGen allele CA2394101.